The following is an entry in ClinVar:

ClinVar aggregate classification (germline): Uncertain significance (1 of 4 stars; one submission).

Conditions:
MC3R-related disorder. Also called: MC3R-related condition.

Submission:

PreventionGenetics, part of Exact Sciences
Classification: Uncertain significance for MC3R-related condition. Last evaluated: 2026-03-26. Review status: criteria provided, single submitter. Criteria: ACMG Guidelines, 2015. Collection method: clinical testing. Allele origin: germline.
Comment: The MC3R c.566T>C variant is predicted to result in the amino acid substitution p.Ile189Thr. To our knowledge, this variant has not been reported in the literature. This variant is reported in 0.0058% of alleles in individuals of Latino descent in gnomAD. At this time, the clinical significance of this variant is uncertain due to the absence of conclusive functional and genetic evidence.

NM_019888.3(MC3R):c.566T>C (p.Ile189Thr)

Gene: MC3R (melanocortin 3 receptor; plus strand). Cytogenetic location: 20q13.2.
Variant type: single nucleotide variant.
Coding change: c.566T>C on transcript NM_019888.3 (MANE Select); coding-DNA position 566, T replaced by C.
Protein change: p.Ile189Thr; replaces isoleucine 189 with threonine.
Molecular consequence: missense variant.
Genome position (GRCh38, 1-based): chr20:56,249,409, T>C. VCF-style: chr20-56249409-T-C. GRCh37 (hg19) VCF-style: chr20-54824465-T-C.
Other names: short protein forms I189T.
Identifiers: ClinVar variation 4988349 (VCV004988349.1).